The following is an entry in ClinVar:

ClinVar aggregate classification (germline): Likely benign (1 of 4 stars; one submission).

Allele frequency attached by ClinVar (database versions not stated): gnomAD 0.00002; TOPMed 0.00005; gnomAD exomes 0.00006; ExAC 0.00009.
gnomAD v4.1: 96 of 1,612,820 alleles (0.006%); highest among the groups gnomAD compares: Admixed American, 0.045%; no homozygotes.

Submission:

CeGaT Center for Human Genetics Tuebingen
Classification: Likely benign. Last evaluated: 2026-09-01. Review status: criteria provided, single submitter. Criteria: CeGaT Center For Human Genetics Tuebingen Variant Classification Criteria Version 2. Collection method: clinical testing. Allele origin: germline. Affected: yes. Observed: 3 variant alleles.
Comment: AFG2B: BP4, BP7

NM_024063.3(AFG2B):c.2184G>A (p.Pro728=)

Gene: AFG2B (AAA ATPase AFG2B; plus strand). Cytogenetic location: 15q21.1.
Variant type: single nucleotide variant.
Coding change: c.2184G>A on transcript NM_024063.3 (MANE Select); coding-DNA position 2184, G replaced by A.
Protein change: p.Pro728=; no amino-acid change (proline 728 retained).
Molecular consequence: synonymous variant. On other transcripts: non-coding transcript variant (5).
Genome position (GRCh38, 1-based): chr15:45,421,132, G>A. VCF-style: chr15-45421132-G-A. GRCh37 (hg19) VCF-style: chr15-45713330-G-A.
Identifiers: ClinVar variation 2645307 (VCV002645307.24), dbSNP rs773984786, ClinGen allele CA7543621.